The following is an entry in ClinVar:

ClinVar aggregate classification (germline): Uncertain significance (1 of 4 stars; one submission).

Conditions:
Inborn genetic diseases. Identifiers: MedGen C0950123, MeSH D030342.

Submission:

Ambry Genetics
Classification: Uncertain significance for Inborn genetic diseases. Last evaluated: 2026-07-15. Review status: criteria provided, single submitter. Criteria: Ambry Variant Classification Scheme 2023. Collection method: clinical testing. Allele origin: germline.
Comment: The p.D369A variant (also known as c.1106A>C), located in coding exon 9 of the FANCG gene, results from an A to C substitution at nucleotide position 1106. The aspartic acid at codon 369 is replaced by alanine, an amino acid with dissimilar properties. This amino acid position is conserved. In addition, the in silico prediction for this alteration is inconclusive. Based on the available evidence, the clinical significance of this variant remains unclear.

NM_004629.2(FANCG):c.1106A>C (p.Asp369Ala)

Gene: FANCG (FA complementation group G; minus strand). Cytogenetic location: 9p13.3.
Variant type: single nucleotide variant.
Coding change: c.1106A>C on transcript NM_004629.2 (MANE Select); coding-DNA position 1106, A replaced by C.
Protein change: p.Asp369Ala; replaces aspartic acid 369 with alanine.
Molecular consequence: missense variant.
Genome position (GRCh38, 1-based): chr9:35,075,999, T>G on the plus strand (A>C on the coding strand, the complement: FANCG is on the minus strand). VCF-style: chr9-35075999-T-G. GRCh37 (hg19) VCF-style: chr9-35075996-T-G.
Other names: short protein forms D369A.
Identifiers: ClinVar variation 5036507 (VCV005036507.1).